The following is an entry in ClinVar:

ClinVar aggregate classification (germline): Uncertain significance. Review status: criteria provided, single submitter (1 of 4 stars). 2 submissions from 2 submitters: Uncertain significance (1). 1 of the submissions does not count toward it. Last evaluated 2017-11-22.

Conditions:
Developmental and epileptic encephalopathy, 25 (DEE25). Also called: Developmental and epileptic encephalopathy 25, with amelogenesis imperfecta; Epileptic encephalopathy, early infantile, 25, with amelogenesis imperfecta; Epileptic encephalopathy, early infantile, 25. Identifiers: Orphanet 442835, MedGen C4014621, MONDO:0014392, OMIM 615905.

Submissions (2):

GeneDx
Classification: Uncertain significance. Last evaluated: 2017-11-22. Review status: criteria provided, single submitter. Criteria: GeneDx Variant Classification (06012015). Collection method: clinical testing. Allele origin: germline. Affected: yes.
Comment: A variant of uncertain significance has been identified in the SLC13A5 gene. The c.291_296dupCGTGGC variant has not been published as a pathogenic variant, nor has it been reported as a benign variant to our knowledge. This variant is not observed in large population cohorts (Lek et al., 2016). The c.291_296dupCGTGGC variant results in an in-frame duplication of 2 amino acid residues, denoted p.Ala99_Val100dup. Therefore, based on the currently available information, it is unclear whether this variant is a pathogenic variant or a rare benign variant.

Biochemical Molecular Genetic Laboratory, King Abdulaziz Medical City
Classification: Uncertain significance for Developmental and epileptic encephalopathy, 25. Last evaluated: 2019-08-25. Review status: no assertion criteria provided. Collection method: clinical testing. Allele origin: germline. Affected: yes. Not counted in ClinVar's aggregate classification.

NM_177550.5(SLC13A5):c.285CGTGGC[3] (p.97AV[3])

Gene: SLC13A5 (solute carrier family 13 member 5; minus strand). Cytogenetic location: 17p13.1.
Variant type: Microsatellite.
Coding change: c.285CGTGGC[3] on transcript NM_177550.5 (MANE Select); three copies in a row of the 6-base unit CGTGGC starting at c.285; the reference has two copies in a row; one copy, 6 bases duplicated.
Protein change: p.97AV[3].
Molecular consequence: inframe insertion.
Genome position (GRCh38, 1-based): chr17:6,706,714-6,706,719, GCCACG duplicated on the plus strand (CGTGGC on the coding strand, the reverse complement: SLC13A5 is on the minus strand); duplicating any 6 consecutive bases within chr17:6,706,714-6,706,725 gives the same sequence; the position shown is the placement nearest the transcript's 3' end. VCF-style (leftmost placement, unchanged base first): chr17-6706713-A-AGCCACG. GRCh37 (hg19) VCF-style: chr17-6610032-A-AGCCACG.
Other names: c.285CGTGGC[3], p.97AV[3] (NM_001143838.3, NM_001284509.2); c.156CGTGGC[3], p.54AV[3] (NM_001284510.2).
Identifiers: ClinVar variation 503837 (VCV000503837.3), dbSNP rs1555543390, ClinGen allele CA658798712.
Genomic context (GRCh38, chr17:6,706,713, plus strand): 5'-GGCCCCCACCCAGAGGAGCGTGCGCAGGGCGATCCTCTTGTGCAGGTTCCAGCGCTCCAC[A>AGCCACG]GCCACGGCCACGATGAGGCCGCCCAGGAACAGCATGTTGGTGTCCTTCATGTACTGGACA-3'